The following is an entry in ClinVar:

ClinVar aggregate classification (germline): Likely benign (0 of 4 stars; one submission).

Conditions:
RFX2-related disorder. Also called: RFX2-related condition.

Allele frequency attached by ClinVar (database versions not stated): 1000 Genomes Project 30x 0.00078; 1000 Genomes Project 0.00080; TOPMed 0.00212; gnomAD 0.00231; ESP Exome Variant Server 0.00249; gnomAD exomes 0.00373.
gnomAD v4.1: 5,752 of 1,609,178 alleles (0.36%); highest among the groups gnomAD compares: Non-Finnish European, 0.44%; 17 homozygotes.

Submissions (6):

PreventionGenetics, part of Exact Sciences
Classification: Likely benign for RFX2-related condition. Last evaluated: 2022-12-13. Review status: no assertion criteria provided. Collection method: clinical testing. Allele origin: germline.
Comment: This variant is classified as likely benign based on ACMG/AMP sequence variant interpretation guidelines (Richards et al. 2015 PMID: 25741868, with internal and published modifications).

Dr. Peter K. Rogan Lab, Western University
No classification provided (evidence only). Condition: Cervical cancer. Review status: no classification provided. Collection method: in vitro. Allele origin: not applicable. Functional consequence: retained intron. Not counted in ClinVar's aggregate classification.

Dr. Peter K. Rogan Lab, Western University
No classification provided (evidence only). Condition: Ovarian serous cystadenocarcinoma. Review status: no classification provided. Collection method: in vitro. Allele origin: not applicable. Functional consequence: retained intron. Not counted in ClinVar's aggregate classification.

Dr. Peter K. Rogan Lab, Western University
No classification provided (evidence only). Condition: Gastric cancer. Review status: no classification provided. Collection method: in vitro. Allele origin: not applicable. Functional consequence: retained intron. Not counted in ClinVar's aggregate classification.

Dr. Peter K. Rogan Lab, Western University
No classification provided (evidence only). Condition: Gastric cancer. Review status: no classification provided. Collection method: in vitro. Allele origin: not applicable. Functional consequence: retained intron. Not counted in ClinVar's aggregate classification.

Dr. Peter K. Rogan Lab, Western University
No classification provided (evidence only). Condition: Malignant tumor of esophagus. Review status: no classification provided. Collection method: in vitro. Allele origin: not applicable. Functional consequence: retained intron. Not counted in ClinVar's aggregate classification.

NM_000635.4(RFX2):c.467G>T (p.Gly156Val)

Gene: RFX2 (regulatory factor X2; minus strand). Cytogenetic location: 19p13.3.
Variant type: single nucleotide variant.
Coding change: c.467G>T on transcript NM_000635.4 (MANE Select); coding-DNA position 467, G replaced by T.
Protein change: p.Gly156Val; replaces glycine 156 with valine.
Molecular consequence: missense variant.
Genome position (GRCh38, 1-based): chr19:6,040,035, C>A on the plus strand (G>T on the coding strand, the complement: RFX2 is on the minus strand). VCF-style: chr19-6040035-C-A. GRCh37 (hg19) VCF-style: chr19-6040046-C-A.
Other names: NC_000019.9:g.6040046C>A; c.467G>T, p.Gly156Val (NM_134433.3); short protein forms G156V.
Identifiers: ClinVar variation 3039344 (VCV003039344.3), dbSNP rs143838272, ClinGen allele CA9120955.